The following is an entry in ClinVar:

ClinVar aggregate classification (germline): Likely benign. Review status: criteria provided, multiple submitters, no conflicts (2 of 4 stars). 3 submissions from 3 submitters: Likely benign (2). 1 of the submissions does not count toward it. Last evaluated 2025-08-18.

Conditions:
SLC6A19-related disorder. Also called: SLC6A19-related condition.

Allele frequency attached by ClinVar (database versions not stated): TOPMed 0.00008; ESP Exome Variant Server 0.00015.
gnomAD v4.1: 38 of 1,614,138 alleles (0.0024%); highest among the groups gnomAD compares: African/African-American, 0.036%; no homozygotes.

Submissions (3):

Labcorp Genetics (formerly Invitae), Labcorp
Classification: Likely benign. Last evaluated: 2025-08-18. Review status: criteria provided, single submitter. Criteria: Invitae Variant Classification Sherloc (09022015). Collection method: clinical testing. Allele origin: germline.

Blueprint Genetics
Classification: Likely benign. Last evaluated: 2023-08-10. Review status: criteria provided, single submitter. Criteria: ACMG Guidelines, 2015. Collection method: clinical testing. Allele origin: germline.

PreventionGenetics, part of Exact Sciences
Classification: Likely benign for SLC6A19-related condition. Last evaluated: 2019-04-25. Review status: no assertion criteria provided. Collection method: clinical testing. Allele origin: germline. Not counted in ClinVar's aggregate classification.
Comment: This variant is classified as likely benign based on ACMG/AMP sequence variant interpretation guidelines (Richards et al. 2015 PMID: 25741868, with internal and published modifications).

NM_001003841.3(SLC6A19):c.1599G>C (p.Thr533=)

Gene: SLC6A19 (solute carrier family 6 member 19; plus strand). Cytogenetic location: 5p15.33.
Variant type: single nucleotide variant.
Coding change: c.1599G>C on transcript NM_001003841.3 (MANE Select); coding-DNA position 1599, G replaced by C.
Protein change: p.Thr533=; no amino-acid change (threonine 533 retained).
Molecular consequence: synonymous variant.
Genome position (GRCh38, 1-based): chr5:1,221,211, G>C. VCF-style: chr5-1221211-G-C. GRCh37 (hg19) VCF-style: chr5-1221326-G-C.
Other names: c.1599G>C (NM_001003841.2).
Identifiers: ClinVar variation 1569996 (VCV001569996.11), dbSNP rs112479136, ClinGen allele CA3183236.